The following is an entry in ClinVar:

ClinVar aggregate classification (germline): Likely benign (1 of 4 stars; one submission).

gnomAD v4.1: 2 of 1,613,000 alleles (0.00012%); highest among the groups gnomAD compares: African/African-American, 0.0027%; no homozygotes.

Submission:

CeGaT Center for Human Genetics Tuebingen
Classification: Likely benign. Last evaluated: 2025-10-01. Review status: criteria provided, single submitter. Criteria: CeGaT Center For Human Genetics Tuebingen Variant Classification Criteria Version 2. Collection method: clinical testing. Allele origin: germline. Affected: yes. Observed: 1 variant allele.
Comment: LRP6: BP4, BP7

NM_002336.3(LRP6):c.2304T>C (p.Gly768=)

Gene: LRP6 (LDL receptor related protein 6; minus strand). Cytogenetic location: 12p13.2.
Variant type: single nucleotide variant.
Coding change: c.2304T>C on transcript NM_002336.3 (MANE Select); coding-DNA position 2304, T replaced by C.
Protein change: p.Gly768=; no amino-acid change (glycine 768 retained).
Molecular consequence: synonymous variant. On other transcripts: non-coding transcript variant (1).
Genome position (GRCh38, 1-based): chr12:12,159,940, A>G on the plus strand (T>C on the coding strand, the complement: LRP6 is on the minus strand). VCF-style: chr12-12159940-A-G. GRCh37 (hg19) VCF-style: chr12-12312874-A-G.
Other names: c.2304T>C, p.Gly768= (NM_001414244.1, NM_001414245.1, NM_001414246.1 and 4 more transcripts); c.2106T>C, p.Gly702= (NM_001414247.1); c.1851T>C, p.Gly617= (NM_001414252.1, NM_001414253.1, NM_001414254.1); c.1797T>C, p.Gly599= (NM_001414255.1).
Identifiers: ClinVar variation 4534306 (VCV004534306.6).
Genomic context (GRCh38, chr12:12,159,940, plus strand): 5'-TGGAACTAAGGTAGTACGTTCACTTCCATCCATTGCAGCTCTGTCTATCTTAGGTTTTCC[A>G]CCCCATTCAGTCCAATACATAAATCTAAATTCAAAATAATAAATATTTAACATTTCAATT-3'
Protein context (NP_002327.2, residues 758-778): AEGFMYWTEW[Gly768=]GKPKIDRAAM